The following is an entry in ClinVar:

ClinVar aggregate classification (germline): Uncertain significance. Review status: criteria provided, multiple submitters, no conflicts (2 of 4 stars). 3 submissions from 3 submitters: Uncertain significance (2). 1 of the submissions does not count toward it. Last evaluated 2025-07-01.

Conditions:
Inborn genetic diseases. Identifiers: MedGen C0950123, MeSH D030342.
Usher syndrome type 2A. Also called: RETINAL DISEASE IN USHER SYNDROME TYPE IIA, MODIFIER OF; USHER SYNDROME, TYPE IIA. Identifiers: Orphanet 231178, Orphanet 886, MedGen C1848634, MONDO:0010169, OMIM 276901.

Allele frequency attached by ClinVar (database versions not stated): gnomAD exomes below 0.00001; gnomAD 0.00001; TOPMed 0.00001.
gnomAD v4.1: 5 of 1,613,606 alleles (0.00031%); highest among the groups gnomAD compares: South Asian, 0.0022%; no homozygotes.

Submissions (3):

Ambry Genetics
Classification: Uncertain significance for Inborn genetic diseases. Last evaluated: 2025-07-01. Review status: criteria provided, single submitter. Criteria: Ambry Variant Classification Scheme 2023. Collection method: clinical testing. Allele origin: germline.

Labcorp Genetics (formerly Invitae), Labcorp
Classification: Uncertain significance. Last evaluated: 2022-03-19. Review status: criteria provided, single submitter. Criteria: Invitae Variant Classification Sherloc (09022015). Collection method: clinical testing. Allele origin: germline.
Comment: This sequence change replaces threonine, which is neutral and polar, with alanine, which is neutral and non-polar, at codon 2332 of the USH2A protein (p.Thr2332Ala). This variant is not present in population databases (gnomAD no frequency). This variant has not been reported in the literature in individuals affected with USH2A-related conditions. ClinVar contains an entry for this variant (Variation ID: 1062496). Algorithms developed to predict the effect of missense changes on protein structure and function output the following: SIFT: "Tolerated"; PolyPhen-2: "Benign"; Align-GVGD: "Class C0". The alanine amino acid residue is found in multiple mammalian species, which suggests that this missense change does not adversely affect protein function. In summary, the available evidence is currently insufficient to determine the role of this variant in disease. Therefore, it has been classified as a Variant of Uncertain Significance.

Natera, Inc.
Classification: Uncertain significance for Usher syndrome type 2A. Last evaluated: 2021-01-22. Review status: no assertion criteria provided. Collection method: clinical testing. Allele origin: germline. Not counted in ClinVar's aggregate classification.

NM_206933.4(USH2A):c.6994A>G (p.Thr2332Ala)

Gene: USH2A (usherin; minus strand). Cytogenetic location: 1q41.
Variant type: single nucleotide variant.
Coding change: c.6994A>G on transcript NM_206933.4 (MANE Select); coding-DNA position 6994, A replaced by G.
Protein change: p.Thr2332Ala; replaces threonine 2332 with alanine.
Molecular consequence: missense variant.
Genome position (GRCh38, 1-based): chr1:215,965,443, T>C on the plus strand (A>G on the coding strand, the complement: USH2A is on the minus strand). VCF-style: chr1-215965443-T-C. GRCh37 (hg19) VCF-style: chr1-216138785-T-C.
Other names: c.6994A>G (NM_206933.2); short protein forms T2332A.
Identifiers: ClinVar variation 1062496 (VCV001062496.4), dbSNP rs1667317930, ClinGen allele CA344852501.